The following is an entry in ClinVar:

ClinVar aggregate classification (germline): Uncertain significance (1 of 4 stars; one submission).

Conditions:
POLD1-related polyposis and colorectal cancer syndrome (CRCS10). Also called: Colorectal cancer 10; COLORECTAL CANCER, SUSCEPTIBILITY TO, ON CHROMOSOME 19q; Colorectal cancer, susceptibility to, 10. Identifiers: Orphanet 220460, MedGen C2675481, MONDO:0012953, OMIM 612591.

Submission:

Labcorp Genetics (formerly Invitae), Labcorp
Classification: Uncertain significance for POLD1-related polyposis and colorectal cancer syndrome. Last evaluated: 2024-07-04. Review status: criteria provided, single submitter. Criteria: Invitae Variant Classification Sherloc (09022015). Collection method: clinical testing. Allele origin: germline.
Comment: This sequence change replaces isoleucine, which is neutral and non-polar, with phenylalanine, which is neutral and non-polar, at codon 431 of the POLD1 protein (p.Ile431Phe). This variant is not present in population databases (gnomAD no frequency). This variant has not been reported in the literature in individuals affected with POLD1-related conditions. ClinVar contains an entry for this variant (Variation ID: 1015000). Advanced modeling of protein sequence and biophysical properties (such as structural, functional, and spatial information, amino acid conservation, physicochemical variation, residue mobility, and thermodynamic stability) performed at Invitae indicates that this missense variant is not expected to disrupt POLD1 protein function with a negative predictive value of 80%. In summary, the available evidence is currently insufficient to determine the role of this variant in disease. Therefore, it has been classified as a Variant of Uncertain Significance.

NM_002691.4(POLD1):c.1291A>T (p.Ile431Phe)

Gene: POLD1 (DNA polymerase delta 1, catalytic subunit; plus strand). Cytogenetic location: 19q13.33.
Variant type: single nucleotide variant.
Coding change: c.1291A>T on transcript NM_002691.4 (MANE Select); coding-DNA position 1291, A replaced by T.
Protein change: p.Ile431Phe; replaces isoleucine 431 with phenylalanine.
Molecular consequence: missense variant. On other transcripts: non-coding transcript variant (1).
Genome position (GRCh38, 1-based): chr19:50,406,230, A>T. VCF-style: chr19-50406230-A-T. GRCh37 (hg19) VCF-style: chr19-50909487-A-T.
Other names: c.1291A>T, p.Ile431Phe (NM_001256849.1, NM_001308632.1); short protein forms I431F.
Identifiers: ClinVar variation 1015000 (VCV001015000.9), dbSNP rs752444746, ClinGen allele CA406979809.